The following is an entry in ClinVar:

ClinVar aggregate classification (germline): Uncertain significance (1 of 4 stars; one submission).

gnomAD v4.1: 1 of 1,613,972 alleles (0.000062%); no homozygotes.

Submission:

Labcorp Genetics (formerly Invitae), Labcorp
Classification: Uncertain significance. Last evaluated: 2024-04-11. Review status: criteria provided, single submitter. Criteria: Invitae Variant Classification Sherloc (09022015). Collection method: clinical testing. Allele origin: germline.
Comment: This sequence change replaces asparagine, which is neutral and polar, with aspartic acid, which is acidic and polar, at codon 522 of the RP1 protein (p.Asn522Asp). This variant is not present in population databases (gnomAD no frequency). This variant has not been reported in the literature in individuals affected with RP1-related conditions. An algorithm developed to predict the effect of missense changes on protein structure and function (PolyPhen-2) suggests that this variant is likely to be tolerated. In summary, the available evidence is currently insufficient to determine the role of this variant in disease. Therefore, it has been classified as a Variant of Uncertain Significance.

NM_006269.2(RP1):c.1564A>G (p.Asn522Asp)

Gene: RP1 (RP1 axonemal microtubule associated; plus strand). Cytogenetic location: 8q12.1.
Variant type: single nucleotide variant.
Coding change: c.1564A>G on transcript NM_006269.2 (MANE Select); coding-DNA position 1564, A replaced by G.
Protein change: p.Asn522Asp; replaces asparagine 522 with aspartic acid.
Molecular consequence: missense variant. On other transcripts: intron variant (1).
Genome position (GRCh38, 1-based): chr8:54,625,446, A>G. VCF-style: chr8-54625446-A-G. GRCh37 (hg19) VCF-style: chr8-55538006-A-G.
Other names: c.787+3158A>G (NM_001375654.1); short protein forms N522D.
Identifiers: ClinVar variation 2697525 (VCV002697525.3), dbSNP rs2536570264, ClinGen allele CA370990805.